The following is an entry in ClinVar:

ClinVar aggregate classification (germline): Uncertain significance (1 of 4 stars; one submission).

gnomAD v4.1: 9 of 1,614,074 alleles (0.00056%); highest among the groups gnomAD compares: South Asian, 0.0022%; no homozygotes.

Submission:

CeGaT Center for Human Genetics Tuebingen
Classification: Uncertain significance. Last evaluated: 2024-09-01. Review status: criteria provided, single submitter. Criteria: CeGaT Center For Human Genetics Tuebingen Variant Classification Criteria Version 2. Collection method: clinical testing. Allele origin: germline. Affected: yes. Observed: 1 variant allele.
Comment: PRKCG: PM2:Supporting, BP4

NM_002739.5(PRKCG):c.1437-6G>A

Gene: PRKCG (protein kinase C gamma; plus strand). Cytogenetic location: 19q13.42.
Variant type: single nucleotide variant.
Coding change: c.1437-6G>A on transcript NM_002739.5 (MANE Select); 6 bases into the intron before coding-DNA position 1437, G replaced by A.
Molecular consequence: intron variant.
Genome position (GRCh38, 1-based): chr19:53,900,605, G>A. VCF-style: chr19-53900605-G-A. GRCh37 (hg19) VCF-style: chr19-54403859-G-A.
Other names: c.1437-6G>A (NM_001316329.2).
Identifiers: ClinVar variation 3389588 (VCV003389588.14).